The following is an entry in ClinVar:

NM_000384.3(APOB):c.11160C>T (p.Ser3720=)

Gene: APOB (apolipoprotein B; minus strand). Cytogenetic location: 2p24.1.
Variant type: single nucleotide variant.
Coding change: c.11160C>T on transcript NM_000384.3 (MANE Select); coding-DNA position 11160, C replaced by T.
Protein change: p.Ser3720=; no amino-acid change (serine 3720 retained).
Molecular consequence: synonymous variant.
Genome position (GRCh38, 1-based): chr2:21,005,708, G>A on the plus strand (C>T on the coding strand, the complement: APOB is on the minus strand). VCF-style: chr2-21005708-G-A. GRCh37 (hg19) VCF-style: chr2-21228580-G-A.
Identifiers: ClinVar variation 3393000 (VCV003393000.1), dbSNP rs1663112712.

ClinVar aggregate classification (germline): Likely benign (1 of 4 stars; one submission).

Conditions:
Familial hypercholesterolemia. Also called: Familial hypercholesterolaemia. Identifiers: MedGen C0020445, MONDO:0005439.

gnomAD v4.1: 2 of 1,613,854 alleles (0.00012%); highest among the groups gnomAD compares: South Asian, 0.0022%; no homozygotes.

Submission:

GENinCode PLC
Classification: Likely benign for Familial hypercholesterolemia. Last evaluated: 2023-09-27. Review status: criteria provided, single submitter. Criteria: ACMG Guidelines, 2015. Collection method: clinical testing. Allele origin: germline.
Comment: This is a synonymous (silent) variant that is not predicted by SpliceAI to impact splicing. In addition, it occurs at a nucleotide that is not conserved. Therefore this variant has been classified as Likely Benign (BP4, BP7).